The following is an entry in ClinVar:

ClinVar aggregate classification (germline): Conflicting classifications of pathogenicity. Review status: criteria provided, conflicting classifications (1 of 4 stars). 2 submissions from 2 submitters: Uncertain significance (1); Likely benign (1). Last evaluated 2024-03-29.

Allele frequency attached by ClinVar (database versions not stated): gnomAD exomes below 0.00001; TOPMed below 0.00001; gnomAD 0.00001.

Submissions (2):

Ambry Genetics
Classification: Likely benign. Last evaluated: 2024-03-29. Review status: criteria provided, single submitter. Criteria: Ambry Variant Classification Scheme 2023. Collection method: clinical testing. Allele origin: germline.

Labcorp Genetics (formerly Invitae), Labcorp
Classification: Uncertain significance. Last evaluated: 2023-03-29. Review status: criteria provided, single submitter. Criteria: Invitae Variant Classification Sherloc (09022015). Collection method: clinical testing. Allele origin: germline.
Comment: In summary, the available evidence is currently insufficient to determine the role of this variant in disease. Therefore, it has been classified as a Variant of Uncertain Significance. Algorithms developed to predict the effect of missense changes on protein structure and function output the following: SIFT: "Not Available"; PolyPhen-2: "Benign"; Align-GVGD: "Not Available". The lysine amino acid residue is found in multiple mammalian species, which suggests that this missense change does not adversely affect protein function. ClinVar contains an entry for this variant (Variation ID: 1360110). This variant has not been reported in the literature in individuals affected with RINT1-related conditions. This variant is not present in population databases (gnomAD no frequency). This sequence change replaces arginine, which is basic and polar, with lysine, which is basic and polar, at codon 23 of the RINT1 protein (p.Arg23Lys).

NM_021930.6(RINT1):c.68G>A (p.Arg23Lys)

Gene: RINT1 (RAD50 interactor 1; plus strand). Cytogenetic location: 7q22.3.
Variant type: single nucleotide variant.
Coding change: c.68G>A on transcript NM_021930.6 (MANE Select); coding-DNA position 68, G replaced by A.
Protein change: p.Arg23Lys; replaces arginine 23 with lysine.
Molecular consequence: missense variant. On other transcripts: 5 prime UTR variant (4), non-coding transcript variant (1).
Genome position (GRCh38, 1-based): chr7:105,532,849, G>A. VCF-style: chr7-105532849-G-A. GRCh37 (hg19) VCF-style: chr7-105173296-G-A.
Other names: c.-30G>A (NM_001346599.2); c.-952G>A (NM_001346600.2); c.-855G>A (NM_001346601.2); c.-475G>A (NM_001346603.2); short protein forms R23K.
Identifiers: ClinVar variation 1360110 (VCV001360110.10), dbSNP rs988368046, ClinGen allele CA164046233.
Genomic context (GRCh38, chr7:105,532,849, plus strand): 5'-TCTTAATGTGCTTGTCACATCTGTTCTTCTTCTAGTGCTGCTCTGAAAGTGGTGACGAAA[G>A]GAAGAACCTCGAGGAGAAAAGTAAGCCAGCTCCAAACACCTTAGCTTTTTCTTCCCGCCC-3'
Protein context (NP_068749.3, residues 13-33): APCCSESGDE[Arg23Lys]KNLEEKSDIN